The following is an entry in ClinVar:

NM_006516.4(SLC2A1):c.736_739del (p.Glu246fs)

Gene: SLC2A1 (solute carrier family 2 member 1; minus strand). Cytogenetic location: 1p34.2.
Variant type: Microsatellite.
Coding change: c.736_739del on transcript NM_006516.4 (MANE Select); coding-DNA positions 736 to 739, 4 bases deleted (GAAG; older notation c.736_739delGAAG).
Protein change: p.Glu246fs; shifts the reading frame from glutamic acid 246.
Molecular consequence: frameshift variant.
Genome position (GRCh38, 1-based): chr1:42,929,721-42,929,724, CTTC deleted on the plus strand (GAAG on the coding strand, the reverse complement: SLC2A1 is on the minus strand); deleting any 4 consecutive bases within chr1:42,929,721-42,929,728 gives the same sequence; the c. name uses the placement nearest the transcript's 3' end. VCF-style (leftmost placement, unchanged base first): chr1-42929720-TCTTC-T. GRCh37 (hg19) VCF-style: chr1-43395391-TCTTC-T.
Other names: short protein forms E246fs.
Identifiers: ClinVar variation 812757 (VCV000812757.13), dbSNP rs1570592604, ClinGen allele CA915941227.

ClinVar aggregate classification (germline): Pathogenic. Review status: criteria provided, multiple submitters, no conflicts (2 of 4 stars). 4 submissions from 4 submitters: Pathogenic (3). 1 of the submissions does not count toward it. Last evaluated 2024-04-12.

Conditions:
Global developmental delay (DD). Also called: Cognitive delay. Identifiers: MedGen C0557874, HP:0001263. Disease mechanism: loss of function.
Strabismus. Identifiers: MedGen C0038379, MONDO:0003432, HP:0000486.
Seizure. Also called: Seizures. Identifiers: MedGen C0036572, HP:0001250.
Encephalopathy due to GLUT1 deficiency. Also called: GLUT1 deficiency syndrome 1, infantile onset, severe; Glucose transporter protein syndrome; De Vivo disease; GLUT1 deficiency syndrome 1; GLUCOSE TRANSPORT DEFECT, BLOOD-BRAIN BARRIER; Classic Glucose Transporter Type 1 Deficiency Syndrome. Identifiers: Orphanet 71277, MedGen C4551966, MONDO:0011724, OMIM 606777.
GLUT1 deficiency syndrome 1, autosomal recessive. Identifiers: MedGen C3149117.
Childhood onset GLUT1 deficiency syndrome 2. Also called: GLUT1 deficiency syndrome 2; Paroxysmal exercise-induced dystonia; PxMD-SLC2A1; Exertion-induced paroxysmal dyskinesia; PAROXYSMAL EXERCISE-INDUCED DYSKINESIA WITH OR WITHOUT EPILEPSY AND/OR HEMOLYTIC ANEMIA; PAROXYSMAL EXERTION-INDUCED DYSTONIA WITH OR WITHOUT EPILEPSY AND/OR HEMOLYTIC ANEMIA. Identifiers: Orphanet 98811, MedGen C1842534, MONDO:0012805, OMIM 612126.

Submissions (4):

Labcorp Genetics (formerly Invitae), Labcorp
Classification: Pathogenic for GLUT1 deficiency syndrome 1, autosomal recessive. Last evaluated: 2024-04-12. Review status: criteria provided, single submitter. Criteria: Invitae Variant Classification Sherloc (09022015). Collection method: clinical testing. Allele origin: germline.
Comment: This sequence change creates a premature translational stop signal (p.Glu246Argfs*5) in the SLC2A1 gene. It is expected to result in an absent or disrupted protein product. Loss-of-function variants in SLC2A1 are known to be pathogenic (PMID: 21832227, 26193382). This variant is not present in population databases (gnomAD no frequency). This variant has not been reported in the literature in individuals affected with SLC2A1-related conditions. ClinVar contains an entry for this variant (Variation ID: 812757). Algorithms developed to predict the effect of sequence changes on RNA splicing suggest that this variant may create or strengthen a splice site. For these reasons, this variant has been classified as Pathogenic.

Genome-Nilou Lab
Classification: Pathogenic for Encephalopathy due to GLUT1 deficiency. Last evaluated: 2023-04-11. Review status: criteria provided, single submitter. Criteria: ACMG Guidelines, 2015. Collection method: clinical testing. Allele origin: germline. Affected: no.

Genomics England Pilot Project, Genomics England
Classification: Pathogenic for Childhood onset GLUT1 deficiency syndrome 2. Review status: criteria provided, single submitter. Criteria: ACGS Guidelines, 2016. Collection method: clinical testing. Allele origin: germline. Affected: yes.

NIHR Bioresource Rare Diseases, University of Cambridge
Classification: Pathogenic for Global developmental delay; Seizure; Strabismus. Review status: no assertion criteria provided. Collection method: research. Allele origin: unknown. Affected: yes. Observed: 1 variant allele. Not counted in ClinVar's aggregate classification.

Literature cited by the submitters: PubMed 21832227 (cited by Labcorp Genetics (formerly Invitae), Labcorp); PubMed 26193382 (cited by Labcorp Genetics (formerly Invitae), Labcorp); PubMed 32581362 (cited by NIHR Bioresource Rare Diseases, University of Cambridge).